The following is an entry in ClinVar:

ClinVar aggregate classification (germline): Uncertain significance (1 of 4 stars; one submission).

Conditions:
Early Myoclonic Encephalopathy. Identifiers: MedGen C0270855.

gnomAD v4.1: 3 of 1,614,078 alleles (0.00019%); highest among the groups gnomAD compares: Non-Finnish European, 0.00017%; no homozygotes.

Submission:

Labcorp Genetics (formerly Invitae), Labcorp
Classification: Uncertain significance for Early Myoclonic Encephalopathy. Last evaluated: 2024-07-27. Review status: criteria provided, single submitter. Criteria: Invitae Variant Classification Sherloc (09022015). Collection method: clinical testing. Allele origin: germline.
Comment: This sequence change replaces histidine, which is basic and polar, with tyrosine, which is neutral and polar, at codon 819 of the JMJD1C protein (p.His819Tyr). This variant is present in population databases (rs755245590, gnomAD 0.0009%). This variant has not been reported in the literature in individuals affected with JMJD1C-related conditions. An algorithm developed to predict the effect of missense changes on protein structure and function (PolyPhen-2) suggests that this variant is likely to be disruptive. In summary, the available evidence is currently insufficient to determine the role of this variant in disease. Therefore, it has been classified as a Variant of Uncertain Significance.

NM_032776.3(JMJD1C):c.2455C>T (p.His819Tyr)

Gene: JMJD1C (jumonji domain containing 1C; minus strand). Cytogenetic location: 10q21.3.
Variant type: single nucleotide variant.
Coding change: c.2455C>T on transcript NM_032776.3 (MANE Select); coding-DNA position 2455, C replaced by T.
Protein change: p.His819Tyr; replaces histidine 819 with tyrosine.
Molecular consequence: missense variant. On other transcripts: non-coding transcript variant (1).
Genome position (GRCh38, 1-based): chr10:63,213,712, G>A on the plus strand (C>T on the coding strand, the complement: JMJD1C is on the minus strand). VCF-style: chr10-63213712-G-A. GRCh37 (hg19) VCF-style: chr10-64973472-G-A.
Other names: c.1909C>T, p.His637Tyr (NM_001282948.2, NM_001318154.2); c.1591C>T, p.His531Tyr (NM_001318153.2); c.2341C>T, p.His781Tyr (NM_001322252.2); c.1798C>T, p.His600Tyr (NM_001322254.2, NM_001322258.2); short protein forms H600Y, H637Y, H781Y, H819Y, H531Y.
Identifiers: ClinVar variation 3699995 (VCV003699995.2).